The following is an entry in ClinVar:

NM_001177693.2(ARHGEF28):c.4347G>A (p.Gln1449=)

Gene: ARHGEF28 (Rho guanine nucleotide exchange factor 28; plus strand). Cytogenetic location: 5q13.2.
Variant type: single nucleotide variant.
Coding change: c.4347G>A on transcript NM_001177693.2 (MANE Select); coding-DNA position 4347, G replaced by A.
Protein change: p.Gln1449=; no amino-acid change (glutamine 1449 retained).
Molecular consequence: synonymous variant.
Genome position (GRCh38, 1-based): chr5:73,909,597, G>A. VCF-style: chr5-73909597-G-A. GRCh37 (hg19) VCF-style: chr5-73205422-G-A.
Other names: c.4347G>A, p.Gln1449= (NM_001080479.3, NM_001388078.1); c.3408G>A, p.Gln1136= (NM_001244364.2); c.4053G>A, p.Gln1351= (NM_001388076.1).
Identifiers: ClinVar variation 3036317 (VCV003036317.2), dbSNP rs188638057, ClinGen allele CA3305347.

ClinVar aggregate classification (germline): Likely benign (0 of 4 stars; one submission).

Conditions:
ARHGEF28-related disorder. Also called: ARHGEF28-related condition.

Allele frequency attached by ClinVar (database versions not stated): gnomAD 0.00004; TOPMed 0.00004; ExAC 0.00005; gnomAD exomes 0.00005; 1000 Genomes Project 0.00020; 1000 Genomes Project 30x 0.00031.

Submission:

PreventionGenetics, part of Exact Sciences
Classification: Likely benign for ARHGEF28-related condition. Last evaluated: 2023-08-07. Review status: no assertion criteria provided. Collection method: clinical testing. Allele origin: germline.
Comment: This variant is classified as likely benign based on ACMG/AMP sequence variant interpretation guidelines (Richards et al. 2015 PMID: 25741868, with internal and published modifications).